The following is an entry in ClinVar:

NM_033087.4(ALG2):c.348+6G>A

Gene: ALG2 (ALG2 alpha-1,3/1,6-mannosyltransferase; minus strand). Cytogenetic location: 9q22.33.
Variant type: single nucleotide variant.
Coding change: c.348+6G>A on transcript NM_033087.4 (MANE Select); 6 bases into the intron after coding-DNA position 348, G replaced by A.
Molecular consequence: intron variant.
Genome position (GRCh38, 1-based): chr9:99,221,541, C>T on the plus strand (G>A on the coding strand, the complement: ALG2 is on the minus strand). VCF-style: chr9-99221541-C-T. GRCh37 (hg19) VCF-style: chr9-101983823-C-T.
Identifiers: ClinVar variation 464895 (VCV000464895.14), dbSNP rs368075764, ClinGen allele CA5156417.
Genomic context (GRCh38, chr9:99,221,541, plus strand): 5'-TCATGCCCGCGGCCGCCCTCCACGGCGAGGTCCGCACTCGCGCAGCCGGCCCCGCGGCCG[C>T]CTCACCTGGTCGCACACTACCACGTCGAACTCCTCGTCGGCGAGGAACAGCACGTAGAGC-3'

ClinVar aggregate classification (germline): Conflicting classifications of pathogenicity. Review status: criteria provided, conflicting classifications (1 of 4 stars). 3 submissions from 3 submitters: Uncertain significance (1); Likely benign (1). 1 of the submissions does not count toward it. Last evaluated 2025-10-27.

Conditions:
ALG2-related disorder. Also called: ALG2-related condition.
Congenital disorder of glycosylation, type Ii. Also called: CDG Ii; ALG2-CDG; ALG2-congenital disorder of glycosylation. Identifiers: Orphanet 79326, MedGen C1842836, MONDO:0011933, OMIM 607906.
Congenital myasthenic syndrome 14. Also called: Myasthenic syndrome, congenital, 14, with tubular aggregates. Identifiers: Orphanet 353327, Orphanet 590, MedGen C4015597, MONDO:0014543, OMIM 616228.

Allele frequency attached by ClinVar (database versions not stated): ExAC 0.00009; gnomAD exomes 0.00017 and 0.00006; ESP Exome Variant Server 0.00037; gnomAD 0.00055 and 0.00063; 1000 Genomes Project 30x 0.00016; TOPMed 0.00065.
gnomAD v4.1: 164 of 1,542,878 alleles (0.011%); highest among the groups gnomAD compares: African/African-American, 0.21%; 1 homozygote.

Submissions (3):

Labcorp Genetics (formerly Invitae), Labcorp
Classification: Likely benign for Congenital disorder of glycosylation, type Ii; Congenital myasthenic syndrome 14. Last evaluated: 2025-10-27. Review status: criteria provided, single submitter. Criteria: Invitae Variant Classification Sherloc (09022015). Collection method: clinical testing. Allele origin: germline.

Women's Health and Genetics/Laboratory Corporation of America, LabCorp
Classification: Uncertain significance. Last evaluated: 2023-06-07. Review status: criteria provided, single submitter. Criteria: LabCorp Variant Classification Summary - May 2015. Collection method: clinical testing. Allele origin: germline.
Comment: Variant summary: ALG2 c.348+6G>A alters a conserved nucleotide located close to a canonical splice site and therefore could affect mRNA splicing, leading to a significantly altered protein sequence. 4/4 computational tools predict no significant impact on normal splicing. However, these predictions have yet to be confirmed by functional studies. The variant allele was found at a frequency of 0.00017 in 135986 control chromosomes. To our knowledge, no occurrence of c.348+6G>A in individuals affected with Congenital Disorder Of Glycosylation, Type 1i and no experimental evidence demonstrating its impact on protein function have been reported. One clinical diagnostic laboratory has submitted a clinical-significance assessment for this variant to ClinVar after 2014 without evidence for independent evaluation, and classified it as likely benign. Based on the evidence outlined above, the variant was classified as uncertain significance.

PreventionGenetics, part of Exact Sciences
Classification: Likely benign for ALG2-related condition. Last evaluated: 2024-05-28. Review status: no assertion criteria provided. Collection method: clinical testing. Allele origin: germline. Not counted in ClinVar's aggregate classification.
Comment: This variant is classified as likely benign based on ACMG/AMP sequence variant interpretation guidelines (Richards et al. 2015 PMID: 25741868, with internal and published modifications).